The following is an entry in ClinVar:

NM_000124.4(ERCC6):c.644A>C (p.Glu215Ala)

Gene: ERCC6 (ERCC excision repair 6, chromatin remodeling factor; minus strand). Cytogenetic location: 10q11.23.
Variant type: single nucleotide variant.
Coding change: c.644A>C on transcript NM_000124.4 (MANE Select); coding-DNA position 644, A replaced by C.
Protein change: p.Glu215Ala; replaces glutamic acid 215 with alanine.
Molecular consequence: missense variant.
Genome position (GRCh38, 1-based): chr10:49,528,425, T>G on the plus strand (A>C on the coding strand, the complement: ERCC6 is on the minus strand). VCF-style: chr10-49528425-T-G. GRCh37 (hg19) VCF-style: chr10-50736471-T-G.
Other names: c.644A>C, p.Glu215Ala (NM_001277058.2, NM_001277059.2, NM_001346440.2); short protein forms E215A.
Identifiers: ClinVar variation 2006089 (VCV002006089.4), dbSNP rs2496158541, ClinGen allele CA376709038.
Genomic context (GRCh38, chr10:49,528,425, plus strand): 5'-GGCATCAGGCATCAATTCAAGAACACAGAGAAACTGCTCCTAGCATCCTCACCTGCATCC[T>G]CCTCCAGACTGGCGTGATCTAGTTCAATTTTCACCTCTGCTCCTCCAAGGATGGCCTGGA-3'
Protein context (NP_000115.1, residues 205-225): KIELDHASLE[Glu215Ala]DAEPGPSSLG

ClinVar aggregate classification (germline): Uncertain significance (1 of 4 stars; one submission).

Submission:

Labcorp Genetics (formerly Invitae), Labcorp
Classification: Uncertain significance. Last evaluated: 2022-06-14. Review status: criteria provided, single submitter. Criteria: Invitae Variant Classification Sherloc (09022015). Collection method: clinical testing. Allele origin: germline.
Comment: This sequence change replaces glutamic acid, which is acidic and polar, with alanine, which is neutral and non-polar, at codon 215 of the ERCC6 protein (p.Glu215Ala). This variant is not present in population databases (gnomAD no frequency). This variant has not been reported in the literature in individuals affected with ERCC6-related conditions. Algorithms developed to predict the effect of missense changes on protein structure and function output the following: SIFT: "Deleterious"; PolyPhen-2: "Benign"; Align-GVGD: "Class C65". The alanine amino acid residue is found in multiple mammalian species, which suggests that this missense change does not adversely affect protein function. In summary, the available evidence is currently insufficient to determine the role of this variant in disease. Therefore, it has been classified as a Variant of Uncertain Significance.